The following is an entry in ClinVar:

ClinVar aggregate classification (germline): Pathogenic (1 of 4 stars; one submission).

Conditions:
Hereditary cancer-predisposing syndrome. Also called: Hereditary Cancer Syndrome; Hereditary neoplastic syndrome; Neoplastic Syndromes, Hereditary; Tumor predisposition. Identifiers: Orphanet 140162, MedGen C0027672, MeSH D009386, MONDO:0015356.

Allele frequency attached by ClinVar (database versions not stated): gnomAD exomes 0.00001.

Submission:

Ambry Genetics
Classification: Pathogenic for Hereditary cancer-predisposing syndrome. Last evaluated: 2025-01-27. Review status: criteria provided, single submitter. Criteria: Ambry Variant Classification Scheme 2023. Collection method: clinical testing. Allele origin: germline.
Comment: The c.120dupT pathogenic mutation, located in coding exon 1 of the TMEM127 gene, results from a duplication of T at nucleotide position 120, causing a translational frameshift with a predicted alternate stop codon (p.I41Yfs*67). This variant is considered to be rare based on population cohorts in the Genome Aggregation Database (gnomAD). This alteration is expected to result in loss of function by premature protein truncation or nonsense-mediated mRNA decay. As such, this alteration is interpreted as a disease-causing mutation.

NM_017849.4(TMEM127):c.120dup (p.Ile41fs)

Genes: TMEM127 (transmembrane protein 127; minus strand), LOC129934333 (ATAC-STARR-seq lymphoblastoid silent region 11759; plus strand). Cytogenetic location: 2q11.2.
Variant type: Duplication.
Coding change: c.120dup on transcript NM_017849.4 (MANE Select); coding-DNA position 120, one base duplicated (T; older notation c.120dupT).
Protein change: p.Ile41fs; shifts the reading frame from isoleucine 41.
Molecular consequence: frameshift variant.
Genome position (GRCh38, 1-based): chr2:96,265,262, A duplicated on the plus strand (T on the coding strand, the reverse complement: TMEM127 is on the minus strand). VCF-style (leftmost placement, unchanged base first): chr2-96265261-T-TA. GRCh37 (hg19) VCF-style: chr2-96930999-T-TA.
Other names: c.120dup, p.Ile41fs (NM_001193304.3); c.120dupT (NM_017849.3); short protein forms I41fs.
Identifiers: ClinVar variation 1749907 (VCV001749907.3), dbSNP rs2467285692, ClinGen allele CA2580068312.
Genomic context (GRCh38, chr2:96,265,261, plus strand): 5'-AGGTGCCTCCGTGGATGTGCAACCAGGCGGGCTCGGCGAGGGCAGTGCACAGCGCCGTGA[T>TA]AGACAGGGCGCCAGGCAGGGCCGAGGCCAGGCTACGCTCCGGCTGCTTGGGCAGAGCGCT-3'